The following is an entry in ClinVar:

NM_203447.4(DOCK8):c.843T>G (p.Ile281Met)

Gene: DOCK8 (dedicator of cytokinesis 8; plus strand). Cytogenetic location: 9p24.3.
Variant type: single nucleotide variant.
Coding change: c.843T>G on transcript NM_203447.4 (MANE Select); coding-DNA position 843, T replaced by G.
Protein change: p.Ile281Met; replaces isoleucine 281 with methionine.
Molecular consequence: missense variant.
Genome position (GRCh38, 1-based): chr9:325,686, T>G. VCF-style: chr9-325686-T-G. GRCh37 (hg19) VCF-style: chr9-325686-T-G.
Other names: c.639T>G, p.Ile213Met (NM_001190458.2, NM_001193536.2); short protein forms I213M, I281M.
Identifiers: ClinVar variation 2199804 (VCV002199804.3), dbSNP rs2050736381, ClinGen allele CA372750852.

ClinVar aggregate classification (germline): Uncertain significance (1 of 4 stars; one submission).

Allele frequency attached by ClinVar (database versions not stated): TOPMed below 0.00001; gnomAD 0.00001.
gnomAD v4.1: 3 of 1,613,964 alleles (0.00019%); highest among the groups gnomAD compares: Non-Finnish European, 0.00025%; no homozygotes.

Submission:

Labcorp Genetics (formerly Invitae), Labcorp
Classification: Uncertain significance for Combined immunodeficiency due to DOCK8 deficiency. Last evaluated: 2021-12-27. Review status: criteria provided, single submitter. Criteria: Invitae Variant Classification Sherloc (09022015). Collection method: clinical testing. Allele origin: germline.
Comment: This variant is not present in population databases (gnomAD no frequency). This sequence change replaces isoleucine, which is neutral and non-polar, with methionine, which is neutral and non-polar, at codon 281 of the DOCK8 protein (p.Ile281Met). In summary, the available evidence is currently insufficient to determine the role of this variant in disease. Therefore, it has been classified as a Variant of Uncertain Significance. Algorithms developed to predict the effect of missense changes on protein structure and function are either unavailable or do not agree on the potential impact of this missense change (SIFT: "Deleterious"; PolyPhen-2: "Possibly Damaging"; Align-GVGD: "Class C0"). This variant has not been reported in the literature in individuals affected with DOCK8-related conditions.